The following is an entry in ClinVar:

ClinVar aggregate classification (germline): Conflicting classifications of pathogenicity. Review status: criteria provided, conflicting classifications (1 of 4 stars). 4 submissions from 4 submitters: Uncertain significance (2); Likely benign (2). Last evaluated 2025-08-07.

Conditions:
Hereditary cancer-predisposing syndrome. Also called: Tumor predisposition; Hereditary neoplastic syndrome; Neoplastic Syndromes, Hereditary; Hereditary Cancer Syndrome. Identifiers: Orphanet 140162, MedGen C0027672, MeSH D009386, MONDO:0015356.
Isolated focal cortical dysplasia type II (FCORD2). Also called: Focal cortical dysplasia type II; CORTICAL DYSPLASIA OF TAYLOR. Identifiers: Orphanet 268994, MedGen C1846385, MONDO:0011818, OMIM 607341, HP:0032051.
Tuberous sclerosis syndrome (TSC). Also called: Tuberous sclerosis; Tuberous Sclerosis Complex. Identifiers: Orphanet 805, MedGen C0041341, MONDO:0001734.
Tuberous sclerosis 1 (TSC1). Identifiers: Orphanet 805, MedGen C1854465, MONDO:0008612, OMIM 191100.

Allele frequency attached by ClinVar (database versions not stated): gnomAD exomes below 0.00001; gnomAD 0.00001; TOPMed 0.00002; ESP Exome Variant Server 0.00008.
gnomAD v4.1: 3 of 1,613,956 alleles (0.00019%); highest among the groups gnomAD compares: South Asian, 0.0011%; no homozygotes.

Submissions (4):

Labcorp Genetics (formerly Invitae), Labcorp
Classification: Likely benign for Tuberous sclerosis 1. Last evaluated: 2025-08-07. Review status: criteria provided, single submitter. Criteria: Invitae Variant Classification Sherloc (09022015). Collection method: clinical testing. Allele origin: germline.

Ambry Genetics
Classification: Likely benign for Hereditary cancer-predisposing syndrome. Last evaluated: 2024-07-30. Review status: criteria provided, single submitter. Criteria: Ambry Variant Classification Scheme 2023. Collection method: clinical testing. Allele origin: germline.

All of Us Research Program, National Institutes of Health
Classification: Uncertain significance for Tuberous sclerosis syndrome. Last evaluated: 2023-08-28. Review status: criteria provided, single submitter. Criteria: ACMG Guidelines, 2015. Collection method: clinical testing. Allele origin: germline. Inheritance: Autosomal dominant inheritance. Observed: 1 variant allele, 1 heterozygote.
Comment: This variant causes an A to G nucleotide substitution at the +4 position of intron 3 of the TSC1 gene. Splice site prediction tools are inconclusive regarding the impact of this variant on RNA splicing. RNA studies have not been reported for this variant. This variant has not been reported in individuals affected with TSC1-related disorders in the literature. This variant has been identified in 1/250868 chromosomes in the general population by the Genome Aggregation Database (gnomAD). The available evidence is insufficient to determine the role of this variant in disease conclusively. Therefore, this variant is classified as a Variant of Uncertain Significance.

This study involves interpretation of variants in research participants for the purpose of population health screening. Participant phenotype was not available at the time of variant classification. Additional details can be found in publication PMID: 35346344, PMCID: PMC8962531

Baylor Genetics
Classification: Uncertain significance for Isolated focal cortical dysplasia type II. Last evaluated: 2023-06-21. Review status: criteria provided, single submitter. Criteria: ACMG Guidelines, 2015. Collection method: clinical testing. Allele origin: unknown.

NM_000368.5(TSC1):c.106+4A>G

Gene: TSC1 (TSC complex subunit 1; minus strand). Cytogenetic location: 9q34.13.
Variant type: single nucleotide variant.
Coding change: c.106+4A>G on transcript NM_000368.5 (MANE Select); 4 bases into the intron after coding-DNA position 106, A replaced by G.
Molecular consequence: intron variant.
Genome position (GRCh38, 1-based): chr9:132,928,763, T>C on the plus strand (A>G on the coding strand, the complement: TSC1 is on the minus strand). VCF-style: chr9-132928763-T-C. GRCh37 (hg19) VCF-style: chr9-135804150-T-C.
Other names: c.-154+4A>G (NM_001362177.2); c.106+4A>G (NM_001162427.2, NM_001162426.2).
Identifiers: ClinVar variation 935458 (VCV000935458.13), dbSNP rs373075566, ClinGen allele CA200902496.
Genomic context (GRCh38, chr9:132,928,763, plus strand): 5'-AGTGGCTCTAAAGTCAATCTCTTCTTTCTAGAAGATAAGCTAAAAAGGATATTATTTTGC[T>C]AACCAGAATTGAGGTTCTCTTTAAAGACAGCTGTCACGTCGTCCCGCACACCCAGCATGG-3'